The following is an entry in ClinVar:

NM_012463.4(ATP6V0A2):c.2383G>A (p.Ala795Thr)

Gene: ATP6V0A2 (ATPase H+ transporting V0 subunit a2; plus strand). Cytogenetic location: 12q24.31.
Variant type: single nucleotide variant.
Coding change: c.2383G>A on transcript NM_012463.4 (MANE Select); coding-DNA position 2383, G replaced by A.
Protein change: p.Ala795Thr; replaces alanine 795 with threonine.
Molecular consequence: missense variant.
Genome position (GRCh38, 1-based): chr12:123,756,904, G>A. VCF-style: chr12-123756904-G-A. GRCh37 (hg19) VCF-style: chr12-124241451-G-A.
Other names: short protein forms A795T.
Identifiers: ClinVar variation 2149344 (VCV002149344.2), dbSNP rs778371523, ClinGen allele CA6862233.

ClinVar aggregate classification (germline): Uncertain significance (1 of 4 stars; one submission).

Conditions:
ALG9 congenital disorder of glycosylation (CDG1L). Also called: CDG Il; ALG9-CDG; CONGENITAL DISORDER OF GLYCOSYLATION, TYPE Il. Identifiers: Orphanet 79328, MedGen C2931006, MONDO:0012117, OMIM 608776.

Allele frequency attached by ClinVar (database versions not stated): ExAC 0.00002; gnomAD 0.00002; gnomAD exomes 0.00002; TOPMed 0.00003.
gnomAD v4.1: 12 of 1,614,018 alleles (0.00074%); highest among the groups gnomAD compares: Middle Eastern, 0.016%; no homozygotes.

Submission:

Labcorp Genetics (formerly Invitae), Labcorp
Classification: Uncertain significance for ALG9 congenital disorder of glycosylation. Last evaluated: 2022-07-19. Review status: criteria provided, single submitter. Criteria: Invitae Variant Classification Sherloc (09022015). Collection method: clinical testing. Allele origin: germline.
Comment: This sequence change replaces alanine, which is neutral and non-polar, with threonine, which is neutral and polar, at codon 795 of the ATP6V0A2 protein (p.Ala795Thr). This variant is present in population databases (rs778371523, gnomAD 0.01%). This variant has not been reported in the literature in individuals affected with ATP6V0A2-related conditions. Algorithms developed to predict the effect of missense changes on protein structure and function (SIFT, PolyPhen-2, Align-GVGD) all suggest that this variant is likely to be tolerated. In summary, the available evidence is currently insufficient to determine the role of this variant in disease. Therefore, it has been classified as a Variant of Uncertain Significance.